The following is an entry in ClinVar:

ClinVar aggregate classification (germline): Benign/Likely benign. Review status: criteria provided, multiple submitters, no conflicts (2 of 4 stars). 4 submissions from 4 submitters: Benign (1); Likely benign (3). Last evaluated 2025-04-29.

Conditions:
Tuberous sclerosis 1 (TSC1). Identifiers: Orphanet 805, MedGen C1854465, MONDO:0008612, OMIM 191100.
Hereditary cancer-predisposing syndrome. Also called: Hereditary neoplastic syndrome; Neoplastic Syndromes, Hereditary; Tumor predisposition; Hereditary Cancer Syndrome. Identifiers: Orphanet 140162, MedGen C0027672, MeSH D009386, MONDO:0015356.

Submissions (4):

Myriad Genetics, Inc.
Classification: Benign for Tuberous sclerosis 1. Last evaluated: 2025-04-29. Review status: criteria provided, single submitter. Criteria: Myriad Autosomal Dominant, Autosomal Recessive and X-Linked Classification Criteria (2023). Collection method: clinical testing. Allele origin: unknown.
Comment: This variant is considered benign. This variant is a silent/synonymous amino acid change and it is not expected to impact splicing.

Labcorp Genetics (formerly Invitae), Labcorp
Classification: Likely benign for Tuberous sclerosis 1. Last evaluated: 2024-04-22. Review status: criteria provided, single submitter. Criteria: Invitae Variant Classification Sherloc (09022015). Collection method: clinical testing. Allele origin: germline.

Ambry Genetics
Classification: Likely benign for Hereditary cancer-predisposing syndrome. Last evaluated: 2022-05-16. Review status: criteria provided, single submitter. Criteria: Ambry Variant Classification Scheme 2023. Collection method: clinical testing. Allele origin: germline.

GeneDx
Classification: Likely benign. Last evaluated: 2018-08-29. Review status: criteria provided, single submitter. Criteria: GeneDx Variant Classification Process June 2021. Collection method: clinical testing. Allele origin: germline. Affected: yes.
Comment: This variant is associated with the following publications: (PMID: 19175396)

NM_000368.5(TSC1):c.3063C>T (p.Pro1021=)

Gene: TSC1 (TSC complex subunit 1; minus strand). Cytogenetic location: 9q34.13.
Variant type: single nucleotide variant.
Coding change: c.3063C>T on transcript NM_000368.5 (MANE Select); coding-DNA position 3063, C replaced by T.
Protein change: p.Pro1021=; no amino-acid change (proline 1021 retained).
Molecular consequence: synonymous variant.
Genome position (GRCh38, 1-based): chr9:132,896,667, G>A on the plus strand (C>T on the coding strand, the complement: TSC1 is on the minus strand). VCF-style: chr9-132896667-G-A. GRCh37 (hg19) VCF-style: chr9-135772054-G-A.
Other names: c.3060C>T, p.Pro1020= (NM_001162426.2); c.2910C>T, p.Pro970= (NM_001162427.2); c.2700C>T, p.Pro900= (NM_001362177.2).
Identifiers: ClinVar variation 1195253 (VCV001195253.13), dbSNP rs2131612277, ClinGen allele CA467813011.